The following is an entry in ClinVar:

ClinVar aggregate classification (germline): Uncertain significance (1 of 4 stars; one submission).

Conditions:
Hereditary cancer-predisposing syndrome. Also called: Hereditary Cancer Syndrome; Hereditary neoplastic syndrome; Neoplastic Syndromes, Hereditary; Tumor predisposition. Identifiers: Orphanet 140162, MedGen C0027672, MeSH D009386, MONDO:0015356.

Submission:

Ambry Genetics
Classification: Uncertain significance for Hereditary cancer-predisposing syndrome. Last evaluated: 2020-01-07. Review status: criteria provided, single submitter. Criteria: Ambry Variant Classification Scheme 2023. Collection method: clinical testing. Allele origin: germline.
Comment: The p.K334N variant (also known as c.1002G>T), located in coding exon 9 of the NBN gene, results from a G to T substitution at nucleotide position 1002. The lysine at codon 334 is replaced by asparagine, an amino acid with similar properties. This alteration has been reported in 1/12,490 male controls and 0/53 male breast cancer patients of Japanese ancestry (Momozawa Y et al. Nat Commun, 2018 10;9:4083). This amino acid position is well conserved in available vertebrate species. In addition, this alteration is predicted to be tolerated by in silico analysis. Since supporting evidence is limited at this time, the clinical significance of this alteration remains unclear.

Literature cited by the submitters: PubMed 30287823.

NM_002485.5(NBN):c.1002G>T (p.Lys334Asn)

Gene: NBN (nibrin; minus strand). Cytogenetic location: 8q21.3.
Variant type: single nucleotide variant.
Coding change: c.1002G>T on transcript NM_002485.5 (MANE Select); coding-DNA position 1002, G replaced by T.
Protein change: p.Lys334Asn; replaces lysine 334 with asparagine.
Molecular consequence: missense variant.
Genome position (GRCh38, 1-based): chr8:89,958,847, C>A on the plus strand (G>T on the coding strand, the complement: NBN is on the minus strand). VCF-style: chr8-89958847-C-A. GRCh37 (hg19) VCF-style: chr8-90971075-C-A.
Other names: c.756G>T, p.Lys252Asn (NM_001024688.3); short protein forms K252N, K334N.
Identifiers: ClinVar variation 1772941 (VCV001772941.2), dbSNP rs1554560517, ClinGen allele CA371656807.
Genomic context (GRCh38, chr8:89,958,847, plus strand): 5'-TGGCATTAGTTTTTCATCAACTGACACGCCTTGTGAAAGGCTTGGTCCTGGAGTTGTTGT[C>A]TTTAATCCTGTAAATCACACAAGTAGAAAGAAAGAATCACAACTGCTAGATAGAAGATGA-3'
Protein context (NP_002476.2, residues 324-344): DPQGHPSTGL[Lys334Asn]TTTPGPSLSQ